The following is an entry in ClinVar:

ClinVar aggregate classification (germline): Likely benign. Review status: criteria provided, multiple submitters, no conflicts (2 of 4 stars). 2 submissions from 2 submitters: Likely benign (2). Last evaluated 2023-03-24.

Allele frequency attached by ClinVar (database versions not stated): gnomAD exomes 0.00001; gnomAD 0.00002; TOPMed 0.00002.
gnomAD v4.1: 11 of 1,209,827 alleles (0.00091%); highest among the groups gnomAD compares: Non-Finnish European, 0.0011%; no homozygotes.

Submissions (2):

Ambry Genetics
Classification: Likely benign. Last evaluated: 2023-03-24. Review status: criteria provided, single submitter. Criteria: Ambry Variant Classification Scheme 2023. Collection method: clinical testing. Allele origin: germline.

CeGaT Center for Human Genetics Tuebingen
Classification: Likely benign. Last evaluated: 2022-05-01. Review status: criteria provided, single submitter. Criteria: CeGaT Center For Human Genetics Tuebingen Variant Classification Criteria Version 2. Collection method: clinical testing. Allele origin: germline. Affected: yes. Observed: 1 variant allele.
Comment: MXRA5: BP4

NM_015419.4(MXRA5):c.2662G>A (p.Val888Ile)

Gene: MXRA5 (matrix remodeling associated 5; minus strand). Cytogenetic location: Xp22.33.
Variant type: single nucleotide variant.
Coding change: c.2662G>A on transcript NM_015419.4 (MANE Select); coding-DNA position 2662, G replaced by A.
Protein change: p.Val888Ile; replaces valine 888 with isoleucine.
Molecular consequence: missense variant.
Genome position (GRCh38, 1-based): chrX:3,323,023, C>T on the plus strand (G>A on the coding strand, the complement: MXRA5 is on the minus strand). VCF-style: chrX-3323023-C-T. GRCh37 (hg19) VCF-style: chrX-3241064-C-T.
Other names: short protein forms V888I.
Identifiers: ClinVar variation 2529095 (VCV002529095.26), dbSNP rs1472180968, ClinGen allele CA412293018.